The following is an entry in ClinVar:

NM_003301.7(TRHR):c.1177G>C (p.Val393Leu)

Gene: TRHR (thyrotropin releasing hormone receptor; plus strand). Cytogenetic location: 8q23.1.
Variant type: single nucleotide variant.
Coding change: c.1177G>C on transcript NM_003301.7 (MANE Select); coding-DNA position 1177, G replaced by C.
Protein change: p.Val393Leu; replaces valine 393 with leucine.
Molecular consequence: missense variant.
Genome position (GRCh38, 1-based): chr8:109,119,435, G>C. VCF-style: chr8-109119435-G-C. GRCh37 (hg19) VCF-style: chr8-110131664-G-C.
Other names: short protein forms V393L.
Identifiers: ClinVar variation 3338942 (VCV003338942.1).

ClinVar aggregate classification (germline): Uncertain significance (1 of 4 stars; one submission).

gnomAD v4.1: 1 of 1,612,054 alleles (0.000062%); highest among the groups gnomAD compares: African/African-American, 0.0013%; no homozygotes.

Submission:

Women's Health and Genetics/Laboratory Corporation of America, LabCorp
Classification: Uncertain significance. Last evaluated: 2024-07-11. Review status: criteria provided, single submitter. Criteria: LabCorp Variant Classification Summary - May 2015. Collection method: clinical testing. Allele origin: germline.
Comment: Variant summary: TRHR c.1177G>C (p.Val393Leu) results in a conservative amino acid change in the encoded protein sequence. Five of five in-silico tools predict a benign effect of the variant on protein function. The variant was absent in 249692 control chromosomes. The available data on variant occurrences in the general population are insufficient to allow any conclusion about variant significance. To our knowledge, no occurrence of c.1177G>C in individuals affected with Hypothyroidism, Congenital, Nongoitrous, 7 and no experimental evidence demonstrating its impact on protein function have been reported. No submitters have cited clinical-significance assessments for this variant to ClinVar. Based on the evidence outlined above, the variant was classified as uncertain significance.